The following is an entry in ClinVar:

NM_003072.5(SMARCA4):c.2974G>A (p.Val992Met)

Gene: SMARCA4 (SWI/SNF related BAF chromatin remodeling complex subunit ATPase 4; plus strand). Cytogenetic location: 19p13.2.
Variant type: single nucleotide variant.
Coding change: c.2974G>A on transcript NM_003072.5 (MANE Select); coding-DNA position 2974, G replaced by A.
Protein change: p.Val992Met; replaces valine 992 with methionine.
Molecular consequence: missense variant. On other transcripts: non-coding transcript variant (1).
Genome position (GRCh38, 1-based): chr19:11,024,331, G>A. VCF-style: chr19-11024331-G-A. GRCh37 (hg19) VCF-style: chr19-11135007-G-A.
Other names: c.2974G>A, p.Val992Met (NM_001128844.3, NM_001128845.2, NM_001128846.2 and 6 more transcripts); short protein forms V992M.
Identifiers: ClinVar variation 2704966 (VCV002704966.3), dbSNP rs2146471704, ClinGen allele CA404058739.

ClinVar aggregate classification (germline): Uncertain significance (1 of 4 stars; one submission).

Conditions:
Rhabdoid tumor predisposition syndrome 2 (RTPS2). Identifiers: Orphanet 231108, Orphanet 69077, MedGen C2750074, MONDO:0013224, OMIM 613325.

Submission:

Labcorp Genetics (formerly Invitae), Labcorp
Classification: Uncertain significance for Rhabdoid tumor predisposition syndrome 2. Last evaluated: 2023-12-22. Review status: criteria provided, single submitter. Criteria: Invitae Variant Classification Sherloc (09022015). Collection method: clinical testing. Allele origin: germline.
Comment: This sequence change replaces valine, which is neutral and non-polar, with methionine, which is neutral and non-polar, at codon 992 of the SMARCA4 protein (p.Val992Met). This variant is not present in population databases (gnomAD no frequency). This variant has not been reported in the literature in individuals affected with SMARCA4-related conditions. An algorithm developed to predict the effect of missense changes on protein structure and function (PolyPhen-2) suggests that this variant is likely to be disruptive. In summary, the available evidence is currently insufficient to determine the role of this variant in disease. Therefore, it has been classified as a Variant of Uncertain Significance.